The following is an entry in ClinVar:

NM_014141.6(CNTNAP2):c.487C>T (p.Pro163Ser)

Gene: CNTNAP2 (contactin associated protein 2; plus strand). Cytogenetic location: 7q35.
Variant type: single nucleotide variant.
Coding change: c.487C>T on transcript NM_014141.6 (MANE Select); coding-DNA position 487, C replaced by T.
Protein change: p.Pro163Ser; replaces proline 163 with serine.
Molecular consequence: missense variant.
Genome position (GRCh38, 1-based): chr7:147,043,991, C>T. VCF-style: chr7-147043991-C-T. GRCh37 (hg19) VCF-style: chr7-146741083-C-T.
Other names: short protein forms P163S.
Identifiers: ClinVar variation 1949736 (VCV001949736.5), dbSNP rs1474862874, ClinGen allele CA369923560.
Genomic context (GRCh38, chr7:147,043,991, plus strand): 5'-GACGGTGTGGTCCGGCACGAATTACAGCATCCGATTATTGCCCGCTATGTGCGCATAGTG[C>T]CTCTGGATTGGAATGGAGAAGGTCGCATTGGACTCAGAATTGAAGTTTATGGCTGTTCTT-3'
Protein context (NP_054860.1, residues 153-173): PIIARYVRIV[Pro163Ser]LDWNGEGRIG

ClinVar aggregate classification (germline): Uncertain significance (1 of 4 stars; one submission).

Conditions:
Cortical dysplasia-focal epilepsy syndrome (PTHSL1). Also called: Pitt-Hopkins-like syndrome 1. Identifiers: Orphanet 163681, Orphanet 221150, MedGen C2750246, MONDO:0012400, OMIM 610042.

Allele frequency attached by ClinVar (database versions not stated): gnomAD exomes below 0.00001.

Submission:

Labcorp Genetics (formerly Invitae), Labcorp
Classification: Uncertain significance for Cortical dysplasia-focal epilepsy syndrome. Last evaluated: 2024-02-23. Review status: criteria provided, single submitter. Criteria: Invitae Variant Classification Sherloc (09022015). Collection method: clinical testing. Allele origin: germline.
Comment: This sequence change replaces proline, which is neutral and non-polar, with serine, which is neutral and polar, at codon 163 of the CNTNAP2 protein (p.Pro163Ser). This variant is present in population databases (no rsID available, gnomAD 0.003%). This variant has not been reported in the literature in individuals affected with CNTNAP2-related conditions. ClinVar contains an entry for this variant (Variation ID: 1949736). An algorithm developed to predict the effect of missense changes on protein structure and function (PolyPhen-2) suggests that this variant is likely to be disruptive. In summary, the available evidence is currently insufficient to determine the role of this variant in disease. Therefore, it has been classified as a Variant of Uncertain Significance.